The following is an entry in ClinVar:

NM_001079.4(ZAP70):c.1280del (p.Val427fs)

Gene: ZAP70 (zeta chain of T cell receptor associated protein kinase 70; plus strand). Cytogenetic location: 2q11.2.
Variant type: Deletion.
Coding change: c.1280del on transcript NM_001079.4 (MANE Select); coding-DNA position 1280, one base deleted (T; older notation c.1280delT).
Protein change: p.Val427fs; shifts the reading frame from valine 427.
Molecular consequence: frameshift variant.
Genome position (GRCh38, 1-based): chr2:97,735,447, T deleted. VCF-style (leftmost placement, unchanged base first): chr2-97735446-GT-G. GRCh37 (hg19) VCF-style: chr2-98351909-GT-G.
Other names: c.1280delT (NM_001079.3); c.1280del, p.Val427fs (NM_001378594.1); c.359del, p.Val120fs (NM_207519.2); short protein forms V427fs, V120fs.
Identifiers: ClinVar variation 418647 (VCV000418647.2), dbSNP rs1064793340, ClinGen allele CA16617774.

ClinVar aggregate classification (germline): Pathogenic (1 of 4 stars; one submission).

Submission:

GeneDx
Classification: Pathogenic. Last evaluated: 2015-03-04. Review status: criteria provided, single submitter. Criteria: GeneDx Variant Classification (06012015). Collection method: clinical testing. Allele origin: germline. Affected: yes.
Comment: The c.1280delT variant in the ZAP70 gene causes a frameshift starting with codon Valine427, changes this amino acid to an Alanine residue and creates a premature Stop codon atposition 9 of the new reading frame, denoted p.Val427AlafsX9. This variant is predictedto cause loss of normal protein function either through protein truncation or nonsense-mediated mRNA decay. Although this variant has not been previously reported to our knowledge, we interpret it as pathogenic.